The following is an entry in ClinVar:

ClinVar aggregate classification (germline): Uncertain significance (1 of 4 stars; one submission).

Conditions:
Inborn genetic diseases. Identifiers: MedGen C0950123, MeSH D030342.

Submission:

Ambry Genetics
Classification: Uncertain significance for Inborn genetic diseases. Last evaluated: 2026-08-18. Review status: criteria provided, single submitter. Criteria: Ambry Variant Classification Scheme 2023. Collection method: clinical testing. Allele origin: germline.
Comment: The p.E1241G variant (also known as c.3722A>G), located in coding exon 13 of the ASXL1 gene, results from an A to G substitution at nucleotide position 3722. The glutamic acid at codon 1241 is replaced by glycine, an amino acid with similar properties. This amino acid position is conserved. In addition, this alteration is predicted to be tolerated by in silico analysis. Based on the available evidence, the clinical significance of this variant remains unclear.

NM_015338.6(ASXL1):c.3722A>G (p.Glu1241Gly)

Gene: ASXL1 (ASXL transcriptional regulator 1; plus strand). Cytogenetic location: 20q11.21.
Variant type: single nucleotide variant.
Coding change: c.3722A>G on transcript NM_015338.6 (MANE Select); coding-DNA position 3722, A replaced by G.
Protein change: p.Glu1241Gly; replaces glutamic acid 1241 with glycine.
Molecular consequence: missense variant.
Genome position (GRCh38, 1-based): chr20:32,436,434, A>G. VCF-style: chr20-32436434-A-G. GRCh37 (hg19) VCF-style: chr20-31024237-A-G.
Other names: c.3539A>G, p.Glu1180Gly (NM_001363734.1); short protein forms E1180G, E1241G.
Identifiers: ClinVar variation 5030309 (VCV005030309.1).